The following is an entry in ClinVar:

NM_001370302.1(TSPAN11):c.457-7C>A

Gene: TSPAN11 (tetraspanin 11; plus strand). Cytogenetic location: 12p11.21.
Variant type: single nucleotide variant.
Coding change: c.457-7C>A on transcript NM_001370302.1 (MANE Select); 7 bases into the intron before coding-DNA position 457, C replaced by A.
Molecular consequence: intron variant.
Genome position (GRCh38, 1-based): chr12:30,982,525, C>A. VCF-style: chr12-30982525-C-A. GRCh37 (hg19) VCF-style: chr12-31135460-C-A.
Other names: c.457-7C>A (NM_001080509.3); c.427-7C>A (NM_001370301.1).
Identifiers: ClinVar variation 2642815 (VCV002642815.24), dbSNP rs191006991, ClinGen allele CA6500495.

ClinVar aggregate classification (germline): Likely benign (1 of 4 stars; one submission).

Allele frequency attached by ClinVar (database versions not stated): 1000 Genomes Project 0.00040; 1000 Genomes Project 30x 0.00047; gnomAD 0.00287; ESP Exome Variant Server 0.00384; gnomAD exomes 0.00452.
gnomAD v4.1: 6,982 of 1,600,616 alleles (0.44%); highest among the groups gnomAD compares: Non-Finnish European, 0.52%; 27 homozygotes.

Submission:

CeGaT Center for Human Genetics Tuebingen
Classification: Likely benign. Last evaluated: 2022-12-01. Review status: criteria provided, single submitter. Criteria: CeGaT Center For Human Genetics Tuebingen Variant Classification Criteria Version 2. Collection method: clinical testing. Allele origin: germline. Affected: yes. Observed: 1 variant allele.
Comment: TSPAN11: BP4, BS2